The following is an entry in ClinVar:

ClinVar aggregate classification (germline): Uncertain significance (1 of 4 stars; one submission).

Allele frequency attached by ClinVar (database versions not stated): gnomAD exomes below 0.00001.
gnomAD v4.1: 1 of 1,613,942 alleles (0.000062%); highest among the groups gnomAD compares: Admixed American, 0.0017%; no homozygotes.

Submission:

Labcorp Genetics (formerly Invitae), Labcorp
Classification: Uncertain significance. Last evaluated: 2022-03-19. Review status: criteria provided, single submitter. Criteria: Invitae Variant Classification Sherloc (09022015). Collection method: clinical testing. Allele origin: germline.
Comment: In summary, the available evidence is currently insufficient to determine the role of this variant in disease. Therefore, it has been classified as a Variant of Uncertain Significance. Algorithms developed to predict the effect of missense changes on protein structure and function (SIFT, PolyPhen-2, Align-GVGD) all suggest that this variant is likely to be tolerated. This variant has not been reported in the literature in individuals affected with DNASE2-related conditions. This variant is not present in population databases (gnomAD no frequency). This sequence change replaces arginine, which is basic and polar, with glutamine, which is neutral and polar, at codon 77 of the DNASE2 protein (p.Arg77Gln).

NM_001375.3(DNASE2):c.230G>A (p.Arg77Gln)

Genes: DNASE2 (deoxyribonuclease 2, lysosomal; minus strand), LOC117125588 (CRISPRi-FlowFISH-validated KLF1 regulatory element 1; plus strand). Cytogenetic location: 19p13.13.
Variant type: single nucleotide variant.
Coding change: c.230G>A on transcript NM_001375.3 (MANE Select); coding-DNA position 230, G replaced by A.
Protein change: p.Arg77Gln; replaces arginine 77 with glutamine.
Molecular consequence: missense variant.
Genome position (GRCh38, 1-based): chr19:12,881,009, C>T on the plus strand (G>A on the coding strand, the complement: DNASE2 is on the minus strand). VCF-style: chr19-12881009-C-T. GRCh37 (hg19) VCF-style: chr19-12991823-C-T.
Other names: short protein forms R77Q.
Identifiers: ClinVar variation 2114542 (VCV002114542.4), dbSNP rs2512551320, ClinGen allele CA404303055.
Genomic context (GRCh38, chr19:12,881,009, plus strand): 5'-AGTTGGCCCGGGGCCCCCTTCACCTGGCTGGTGTTGCTCCGGTACAGCGGCTGCAGGCTT[C>T]GGCCCACGGCCCCCTCCGGGCTGTTGATGAGTGCCCTGCCGTCCCGCCAGCCTCCGGAGC-3'
Protein context (NP_001366.1, residues 67-87): LINSPEGAVG[Arg77Gln]SLQPLYRSNT